The following is an entry in ClinVar:

ClinVar aggregate classification (germline): Uncertain significance. Review status: criteria provided, multiple submitters, no conflicts (2 of 4 stars). 2 submissions from 2 submitters: Uncertain significance (2). Last evaluated 2024-10-13.

Conditions:
Hereditary pancreatitis (PCTT). Also called: Hereditary chronic pancreatitis; PRSS1-Related Hereditary Pancreatitis. Identifiers: Orphanet 676, MedGen C0238339, MONDO:0008185, OMIM 167800.

Submissions (2):

Labcorp Genetics (formerly Invitae), Labcorp
Classification: Uncertain significance for Hereditary pancreatitis. Last evaluated: 2024-10-13. Review status: criteria provided, single submitter. Criteria: Invitae Variant Classification Sherloc (09022015). Collection method: clinical testing. Allele origin: germline.
Comment: This sequence change falls in intron 1 of the PRSS1 gene. It does not directly change the encoded amino acid sequence of the PRSS1 protein. It affects a nucleotide within the consensus splice site. The frequency data for this variant in the population databases is considered unreliable, as metrics indicate poor data quality at this position in the gnomAD database. This variant has not been reported in the literature in individuals affected with PRSS1-related conditions. ClinVar contains an entry for this variant (Variation ID: 528770). Variants that disrupt the consensus splice site are a relatively common cause of aberrant splicing (PMID: 17576681, 9536098). Algorithms developed to predict the effect of sequence changes on RNA splicing suggest that this variant may disrupt the consensus splice site. In summary, the available evidence is currently insufficient to determine the role of this variant in disease. Therefore, it has been classified as a Variant of Uncertain Significance.

Ambry Genetics
Classification: Uncertain significance for Hereditary pancreatitis. Last evaluated: 2022-08-30. Review status: criteria provided, single submitter. Criteria: Ambry Variant Classification Scheme 2023. Collection method: clinical testing. Allele origin: germline.
Comment: The c.40+3_40+6delGAGT intronic variant, located in intron 1 of the PRSS1 gene, results from a deletion of 4 nucleotides within intron 1 of the PRSS1 gene. This nucleotide region is well conserved in available vertebrate species. In silico splice site analysis predicts that this alteration will weaken the native splice donor site. However, loss of function of PRSS1 has not been established as a mechanism of disease. Since supporting evidence is limited at this time, the clinical significance of this alteration remains unclear.

Literature cited by the submitters: PubMed 17576681 (cited by Labcorp Genetics (formerly Invitae), Labcorp); PubMed 9536098 (cited by Labcorp Genetics (formerly Invitae), Labcorp).

NM_002769.5(PRSS1):c.40+3_40+6del

Genes: TRB (T cell receptor beta locus; plus strand), PRSS1 (serine protease 1; plus strand). Cytogenetic location: 7q34.
Variant type: Deletion.
Coding change: c.40+3_40+6del on transcript NM_002769.5 (MANE Select); bases 3 to 6 of the intron after coding-DNA position 40, 4 bases deleted (GAGT; older notation c.40+3_40+6delGAGT).
Molecular consequence: splice donor variant.
Genome position (GRCh38, 1-based): chr7:142,749,527-142,749,530, GAGT deleted; deleting any 4 consecutive bases within chr7:142,749,525-142,749,530 gives the same sequence; the c. name uses the placement nearest the transcript's 3' end. VCF-style (leftmost placement, unchanged base first): chr7-142749524-CGTGA-C. GRCh37 (hg19) VCF-style: chr7-142457375-CGTGA-C.
Other names: c.40+3_40+6delGAGT (NM_002769.4).
Identifiers: ClinVar variation 528770 (VCV000528770.8), dbSNP rs897784116, ClinGen allele CA168145119.